The following is an entry in ClinVar:

NM_022662.4(ANAPC1):c.2212A>T (p.Met738Leu)

Gene: ANAPC1 (anaphase promoting complex subunit 1; minus strand). Cytogenetic location: 2q13.
Variant type: single nucleotide variant.
Coding change: c.2212A>T on transcript NM_022662.4 (MANE Select); coding-DNA position 2212, A replaced by T.
Protein change: p.Met738Leu; replaces methionine 738 with leucine.
Molecular consequence: missense variant.
Genome position (GRCh38, 1-based): chr2:111,834,776, T>A on the plus strand (A>T on the coding strand, the complement: ANAPC1 is on the minus strand). VCF-style: chr2-111834776-T-A. GRCh37 (hg19) VCF-style: chr2-112592353-T-A.
Other names: short protein forms M738L.
Identifiers: ClinVar variation 3906022 (VCV003906022.10).

ClinVar aggregate classification (germline): Uncertain significance (1 of 4 stars; one submission).

gnomAD v4.1: 1 of 1,613,286 alleles (0.000062%); no homozygotes.

Submission:

CeGaT Center for Human Genetics Tuebingen
Classification: Uncertain significance. Last evaluated: 2025-05-01. Review status: criteria provided, single submitter. Criteria: CeGaT Center For Human Genetics Tuebingen Variant Classification Criteria Version 2. Collection method: clinical testing. Allele origin: germline. Affected: yes. Observed: 1 variant allele.
Comment: ANAPC1: PM2, BP4